The following is an entry in ClinVar:

NM_194454.3(KRIT1):c.674del (p.Ala225fs)

Gene: KRIT1 (KRIT1 ankyrin repeat containing; minus strand). Cytogenetic location: 7q21.2.
Variant type: Deletion.
Coding change: c.674del on transcript NM_194454.3 (MANE Select); coding-DNA position 674, one base deleted (C; older notation c.674delC).
Protein change: p.Ala225fs; shifts the reading frame from alanine 225.
Molecular consequence: frameshift variant. On other transcripts: intron variant (1).
Genome position (GRCh38, 1-based): chr7:92,235,458, G deleted on the plus strand (C on the coding strand, the reverse complement: KRIT1 is on the minus strand). VCF-style (leftmost placement, unchanged base first): chr7-92235457-TG-T. GRCh37 (hg19) VCF-style: chr7-91864771-TG-T.
Other names: c.674delC (NM_194456.1); c.674del, p.Ala225fs (NM_001350673.1, NM_001350674.1, NM_001350675.1 and 29 more transcripts); c.15+76del (NM_001350671.1); short protein forms A225fs.
Identifiers: ClinVar variation 590748 (VCV000590748.6), dbSNP rs1563305648, ClinGen allele CA891862700.

ClinVar aggregate classification (germline): Pathogenic/Likely pathogenic. Review status: criteria provided, multiple submitters, no conflicts (2 of 4 stars). 2 submissions from 2 submitters: Pathogenic (1); Likely pathogenic (1). Last evaluated 2022-02-06.

Conditions:
Cerebral cavernous malformation (CCM). Also called: Cavernous Hemangioma of Brain; Cerebral cavernous hemangioma (type); Cerebral cavernous malformations; CAVERNOUS ANGIOMA, FAMILIAL; CAVERNOUS ANGIOMATOUS MALFORMATIONS; CEREBRAL CAPILLARY MALFORMATIONS. Identifiers: Orphanet 221061, MedGen C2919945, MONDO:0000820, OMIM 116860, HP:0033522.

Submissions (2):

Labcorp Genetics (formerly Invitae), Labcorp
Classification: Pathogenic for Cerebral cavernous malformation. Last evaluated: 2022-02-06. Review status: criteria provided, single submitter. Criteria: Invitae Variant Classification Sherloc (09022015). Collection method: clinical testing. Allele origin: germline.
Comment: This sequence change creates a premature translational stop signal (p.Ala225Glufs*20) in the KRIT1 gene. It is expected to result in an absent or disrupted protein product. Loss-of-function variants in KRIT1 are known to be pathogenic (PMID: 10508515, 11222804, 12404106, 24689081). This variant is not present in population databases (gnomAD no frequency). For these reasons, this variant has been classified as Pathogenic. ClinVar contains an entry for this variant (Variation ID: 590748). This variant has not been reported in the literature in individuals affected with KRIT1-related conditions.

PreventionGenetics, part of Exact Sciences
Classification: Likely pathogenic. Last evaluated: 2015-07-17. Review status: criteria provided, single submitter. Criteria: ACMG Guidelines, 2015. Collection method: clinical testing. Allele origin: germline.

Literature cited by the submitters: PubMed 10508515 (cited by Labcorp Genetics (formerly Invitae), Labcorp); PubMed 11222804 (cited by Labcorp Genetics (formerly Invitae), Labcorp); PubMed 12404106 (cited by Labcorp Genetics (formerly Invitae), Labcorp); PubMed 24689081 (cited by Labcorp Genetics (formerly Invitae), Labcorp).